The following is an entry in ClinVar:

NM_001142800.2(EYS):c.5665T>G (p.Tyr1889Asp)

Gene: EYS (EGF-like photoreceptor maintenance factor; minus strand). Cytogenetic location: 6q12.
Variant type: single nucleotide variant.
Coding change: c.5665T>G on transcript NM_001142800.2 (MANE Select); coding-DNA position 5665, T replaced by G.
Protein change: p.Tyr1889Asp; replaces tyrosine 1889 with aspartic acid.
Molecular consequence: missense variant.
Genome position (GRCh38, 1-based): chr6:64,439,332, A>C on the plus strand (T>G on the coding strand, the complement: EYS is on the minus strand). VCF-style: chr6-64439332-A-C. GRCh37 (hg19) VCF-style: chr6-65149225-A-C.
Other names: c.5665T>G, p.Tyr1889Asp (NM_001292009.2); short protein forms Y1889D.
Identifiers: ClinVar variation 4979567 (VCV004979567.1).
Genomic context (GRCh38, chr6:64,439,332, plus strand): 5'-GGGAGATGTTATTTTGTGGATTTAAAGCCACATTCTGAAATTCTAGATAAGAATCTCCAT[A>C]ATAACGAACACAACTGAAATCTGTGGAGTCAGAAAGAAAATACAATTTAGGTTGAAATAA-3'
Protein context (NP_001136272.1, residues 1879-1899): MISDFSCVRY[Tyr1889Asp]GDSYLEFQNV

ClinVar aggregate classification (germline): Uncertain significance (1 of 4 stars; one submission).

Conditions:
EYS-related disorder. Also called: EYS-related condition.

gnomAD v4.1: 11 of 1,506,734 alleles (0.00073%); highest among the groups gnomAD compares: African/African-American, 0.016%; no homozygotes.

Submission:

PreventionGenetics, part of Exact Sciences
Classification: Uncertain significance for EYS-related condition. Last evaluated: 2025-11-06. Review status: criteria provided, single submitter. Criteria: ACMG Guidelines, 2015. Collection method: clinical testing. Allele origin: germline.
Comment: The EYS c.5665T>G variant is predicted to result in the amino acid substitution p.Tyr1889Asp. To our knowledge, this variant has not been reported in the literature. This variant is reported in 0.018% of alleles in individuals of African descent in gnomAD. At this time, the clinical significance of this variant is uncertain due to the absence of conclusive functional and genetic evidence.